The following is an entry in ClinVar:

NM_005228.5(EGFR):c.241-8C>G

Gene: EGFR (epidermal growth factor receptor; plus strand). Cytogenetic location: 7p11.2.
Variant type: single nucleotide variant.
Coding change: c.241-8C>G on transcript NM_005228.5 (MANE Select); 8 bases into the intron before coding-DNA position 241, C replaced by G.
Molecular consequence: intron variant.
Genome position (GRCh38, 1-based): chr7:55,143,297, C>G. VCF-style: chr7-55143297-C-G. GRCh37 (hg19) VCF-style: chr7-55210990-C-G.
Other names: p.?; c.241-8C>G (NM_001346899.2, NM_001346898.2, NM_001346897.2 and 3 more transcripts); c.89-12533C>G (NM_001346941.2); c.82-8C>G (NM_001346900.2).
Identifiers: ClinVar variation 774877 (VCV000774877.19), dbSNP rs138872748, ClinGen allele CA4265164.

ClinVar aggregate classification (germline): Benign/Likely benign. Review status: criteria provided, multiple submitters, no conflicts (2 of 4 stars). 7 submissions from 7 submitters: Benign (2); Likely benign (5). Last evaluated 2026-02-03.

Conditions:
EGFR-related lung cancer (EGFR). Identifiers: MedGen CN130014.
Hereditary cancer-predisposing syndrome. Also called: Tumor predisposition; Neoplastic Syndromes, Hereditary; Hereditary Cancer Syndrome; Hereditary neoplastic syndrome. Identifiers: Orphanet 140162, MedGen C0027672, MeSH D009386, MONDO:0015356.

Allele frequency attached by ClinVar (database versions not stated): 1000 Genomes Project 0.00020; gnomAD 0.00031; ExAC 0.00036; TOPMed 0.00036; gnomAD exomes 0.00043 and 0.00047; 1000 Genomes Project 30x 0.00016; ESP Exome Variant Server 0.00046.
gnomAD v4.1: 725 of 1,614,152 alleles (0.045%); highest among the groups gnomAD compares: Middle Eastern, 0.28%; no homozygotes.

Submissions (7):

Labcorp Genetics (formerly Invitae), Labcorp
Classification: Benign for EGFR-related lung cancer. Last evaluated: 2026-02-03. Review status: criteria provided, single submitter. Criteria: Invitae Variant Classification Sherloc (09022015). Collection method: clinical testing. Allele origin: germline.

Mayo Clinic Laboratories, Mayo Clinic
Classification: Likely benign. Last evaluated: 2025-10-20. Review status: criteria provided, single submitter. Criteria: ACMG Guidelines, 2015. Collection method: clinical testing. Allele origin: germline. Observed: 1 variant allele.
Comment: BS1, BP4, BP7

Blueprint Genetics
Classification: Likely benign. Last evaluated: 2024-11-15. Review status: criteria provided, single submitter. Criteria: ACMG Guidelines, 2015. Collection method: clinical testing. Allele origin: germline.

Mendelics
Classification: Benign. Last evaluated: 2022-05-04. Review status: criteria provided, single submitter. Criteria: Mendelics Assertion Criteria 2019. Collection method: clinical testing. Allele origin: germline.

Genetic Services Laboratory, University of Chicago
Classification: Likely benign. Last evaluated: 2021-09-17. Review status: criteria provided, single submitter. Criteria: ACMG Guidelines, 2015. Collection method: clinical testing. Allele origin: germline. Affected: no.

GeneDx
Classification: Likely benign. Last evaluated: 2021-05-17. Review status: criteria provided, single submitter. Criteria: GeneDx Variant Classification Process June 2021. Collection method: clinical testing. Allele origin: germline. Affected: yes.

Sema4
Classification: Likely benign for Hereditary cancer-predisposing syndrome. Last evaluated: 2021-02-25. Review status: criteria provided, single submitter. Criteria: Sema4 Curation Guidelines. Collection method: curation. Allele origin: germline.